The following is an entry in ClinVar:

ClinVar aggregate classification (germline): Uncertain significance (1 of 4 stars; one submission).

Conditions:
Neuromuscular disease caused by qualitative or quantitative defects of dysferlin. Also called: Qualitative or quantitative defects of dysferlin; Dysferlinopathy. Identifiers: Orphanet 207073, MedGen C2931687, MONDO:0016145.

Submission:

Labcorp Genetics (formerly Invitae), Labcorp
Classification: Uncertain significance for Neuromuscular disease caused by qualitative or quantitative defects of dysferlin. Last evaluated: 2024-04-05. Review status: criteria provided, single submitter. Criteria: Invitae Variant Classification Sherloc (09022015). Collection method: clinical testing. Allele origin: germline.
Comment: This sequence change replaces valine, which is neutral and non-polar, with methionine, which is neutral and non-polar, at codon 975 of the DYSF protein (p.Val975Met). This variant is not present in population databases (gnomAD no frequency). This variant has not been reported in the literature in individuals affected with DYSF-related conditions. ClinVar contains an entry for this variant (Variation ID: 1969282). An algorithm developed to predict the effect of missense changes on protein structure and function (PolyPhen-2) suggests that this variant is likely to be disruptive. In summary, the available evidence is currently insufficient to determine the role of this variant in disease. Therefore, it has been classified as a Variant of Uncertain Significance.

NM_001130987.2(DYSF):c.2977G>A (p.Val993Met)

Gene: DYSF (dysferlin; plus strand). Cytogenetic location: 2p13.2.
Variant type: single nucleotide variant.
Coding change: c.2977G>A on transcript NM_001130987.2 (MANE Select); coding-DNA position 2977, G replaced by A.
Protein change: p.Val993Met; replaces valine 993 with methionine.
Molecular consequence: missense variant.
Genome position (GRCh38, 1-based): chr2:71,569,932, G>A. VCF-style: chr2-71569932-G-A. GRCh37 (hg19) VCF-style: chr2-71797062-G-A.
Other names: c.2926G>A, p.Val976Met (NM_001130455.2, NM_001130983.2); c.2881G>A, p.Val961Met (NM_001130976.2, NM_001130977.2); c.2923G>A, p.Val975Met (NM_001130978.2, NM_003494.4); c.3016G>A, p.Val1006Met (NM_001130979.2); c.2974G>A, p.Val992Met (NM_001130980.2, NM_001130981.2); c.3019G>A, p.Val1007Met (NM_001130982.2); c.2884G>A, p.Val962Met (NM_001130984.2, NM_001130986.2); c.2977G>A, p.Val993Met (NM_001130985.2); short protein forms V992M, V993M, V1006M, V961M, V1007M, V962M, V976M, V975M.
Identifiers: ClinVar variation 1969282 (VCV001969282.5), dbSNP rs2545815648, ClinGen allele CA347216255.